The following is an entry in ClinVar:

ClinVar aggregate classification (germline): Uncertain significance (1 of 4 stars; one submission).

Allele frequency attached by ClinVar (database versions not stated): ExAC 0.00003; ESP Exome Variant Server 0.00008; 1000 Genomes Project 30x 0.00016; 1000 Genomes Project 0.00020.
gnomAD v4.1: 37 of 1,610,346 alleles (0.0023%); highest among the groups gnomAD compares: South Asian, 0.0088%; no homozygotes.

Submission:

Labcorp Genetics (formerly Invitae), Labcorp
Classification: Uncertain significance. Last evaluated: 2024-08-10. Review status: criteria provided, single submitter. Criteria: Invitae Variant Classification Sherloc (09022015). Collection method: clinical testing. Allele origin: germline.
Comment: This sequence change replaces valine, which is neutral and non-polar, with methionine, which is neutral and non-polar, at codon 1477 of the DSCAML1 protein (p.Val1477Met). This variant is present in population databases (rs371067137, gnomAD 0.01%). This variant has not been reported in the literature in individuals affected with DSCAML1-related conditions. ClinVar contains an entry for this variant (Variation ID: 2198431). An algorithm developed to predict the effect of missense changes on protein structure and function (PolyPhen-2) suggests that this variant is likely to be disruptive. In summary, the available evidence is currently insufficient to determine the role of this variant in disease. Therefore, it has been classified as a Variant of Uncertain Significance.

NM_020693.4(DSCAML1):c.4249G>A (p.Val1417Met)

Gene: DSCAML1 (DS cell adhesion molecule like 1; minus strand). Cytogenetic location: 11q23.3.
Variant type: single nucleotide variant.
Coding change: c.4249G>A on transcript NM_020693.4 (MANE Select); coding-DNA position 4249, G replaced by A.
Protein change: p.Val1417Met; replaces valine 1417 with methionine.
Molecular consequence: missense variant.
Genome position (GRCh38, 1-based): chr11:117,438,078, C>T on the plus strand (G>A on the coding strand, the complement: DSCAML1 is on the minus strand). VCF-style: chr11-117438078-C-T. GRCh37 (hg19) VCF-style: chr11-117308794-C-T.
Other names: short protein forms V1417M.
Identifiers: ClinVar variation 2198431 (VCV002198431.4), dbSNP rs371067137, ClinGen allele CA6296421.